The following is an entry in ClinVar:

ClinVar aggregate classification (germline): Likely pathogenic (1 of 4 stars; one submission).

Conditions:
Early-infantile DEE. Also called: Early infantile epileptic encephalopathy; Ohtahara syndrome; Early infantile epileptic encephalopathy with suppression bursts. Identifiers: Orphanet 1934, MedGen C0393706, MONDO:0800491.

Submission:

Labcorp Genetics (formerly Invitae), Labcorp
Classification: Likely pathogenic for Early-infantile DEE. Last evaluated: 2024-12-08. Review status: criteria provided, single submitter. Criteria: Invitae Variant Classification Sherloc (09022015). Collection method: clinical testing. Allele origin: germline.
Comment: This sequence change replaces arginine, which is basic and polar, with leucine, which is neutral and non-polar, at codon 859 of the SCN1A protein (p.Arg859Leu). This variant is not present in population databases (gnomAD no frequency). This variant has not been reported in the literature in individuals affected with SCN1A-related conditions. Invitae Evidence Modeling of protein sequence and biophysical properties (such as structural, functional, and spatial information, amino acid conservation, physicochemical variation, residue mobility, and thermodynamic stability) indicates that this missense variant is expected to disrupt SCN1A protein function with a positive predictive value of 95%. This variant disrupts the p.Arg859 amino acid residue in SCN1A. Other variant(s) that disrupt this residue have been determined to be pathogenic (PMID: 16525050, 18930999, 25576396). This suggests that this residue is clinically significant, and that variants that disrupt this residue are likely to be disease-causing. In summary, the currently available evidence indicates that the variant is pathogenic, but additional data are needed to prove that conclusively. Therefore, this variant has been classified as Likely Pathogenic.

Literature cited by the submitters: PubMed 16525050; PubMed 18930999; PubMed 25576396.

NM_001165963.4(SCN1A):c.2576G>T (p.Arg859Leu)

Gene: SCN1A (sodium voltage-gated channel alpha subunit 1; minus strand). Cytogenetic location: 2q24.3.
Variant type: single nucleotide variant.
Coding change: c.2576G>T on transcript NM_001165963.4 (MANE Select); coding-DNA position 2576, G replaced by T.
Protein change: p.Arg859Leu; replaces arginine 859 with leucine.
Molecular consequence: missense variant. On other transcripts: non-coding transcript variant (1).
Genome position (GRCh38, 1-based): chr2:166,039,436, C>A on the plus strand (G>T on the coding strand, the complement: SCN1A is on the minus strand). VCF-style: chr2-166039436-C-A. GRCh37 (hg19) VCF-style: chr2-166895946-C-A.
Other names: c.2543G>T, p.Arg848Leu (NM_001353951.2, NM_001353952.2, NM_006920.6 and 2 more transcripts); c.2540G>T, p.Arg847Leu (NM_001353954.2, NM_001353955.2); c.2492G>T, p.Arg831Leu (NM_001353957.2, NM_001353958.2, NM_001165964.3); c.2489G>T, p.Arg830Leu (NM_001353960.2); c.134G>T, p.Arg45Leu (NM_001353961.2); c.2576G>T, p.Arg859Leu (NM_001202435.3, NM_001353948.2); short protein forms R45L, R830L, R848L, R831L, R847L, R859L.
Identifiers: ClinVar variation 3634045 (VCV003634045.2).